The following is an entry in ClinVar:

ClinVar aggregate classification (germline): Uncertain significance (1 of 4 stars; one submission).

gnomAD v4.1: 1 of 1,614,032 alleles (0.000062%); no homozygotes.

Submission:

Labcorp Genetics (formerly Invitae), Labcorp
Classification: Uncertain significance. Last evaluated: 2023-11-07. Review status: criteria provided, single submitter. Criteria: Invitae Variant Classification Sherloc (09022015). Collection method: clinical testing. Allele origin: germline.
Comment: This sequence change falls in intron 50 of the COL7A1 gene. It does not directly change the encoded amino acid sequence of the COL7A1 protein. It affects a nucleotide within the consensus splice site. This variant is not present in population databases (gnomAD no frequency). This variant has not been reported in the literature in individuals affected with COL7A1-related conditions. Variants that disrupt the consensus splice site are a relatively common cause of aberrant splicing (PMID: 17576681, 9536098). Algorithms developed to predict the effect of sequence changes on RNA splicing suggest that this variant may disrupt the consensus splice site. In summary, the available evidence is currently insufficient to determine the role of this variant in disease. Therefore, it has been classified as a Variant of Uncertain Significance.

Literature cited by the submitters: PubMed 17576681; PubMed 9536098.

NM_000094.4(COL7A1):c.4818+5G>T

Gene: COL7A1 (collagen type VII alpha 1 chain; minus strand). Cytogenetic location: 3p21.31.
Variant type: single nucleotide variant.
Coding change: c.4818+5G>T on transcript NM_000094.4 (MANE Select); 5 bases into the intron after coding-DNA position 4818, G replaced by T.
Molecular consequence: intron variant.
Genome position (GRCh38, 1-based): chr3:48,581,443, C>A on the plus strand (G>T on the coding strand, the complement: COL7A1 is on the minus strand). VCF-style: chr3-48581443-C-A. GRCh37 (hg19) VCF-style: chr3-48618876-C-A.
Identifiers: ClinVar variation 2976823 (VCV002976823.3), dbSNP rs2531105671, ClinGen allele CA2665623187.
Genomic context (GRCh38, chr3:48,581,443, plus strand): 5'-CAAGCAGTTCTCAAGGGGAGGGGACCCCAGAAGCCTTGAGGTTGCCCAGGGTAACGGGTA[C>A]TCACTGGGGGTCCTGCTCTGCCAGTAAGGCCAATGGGACCCTGAAGGGGACAGAAGGGGG-3'